The following is an entry in ClinVar:

NM_001556.3(IKBKB):c.1658G>C (p.Gly553Ala)

Gene: IKBKB (inhibitor of nuclear factor kappa B kinase subunit beta; plus strand). Cytogenetic location: 8p11.21.
Variant type: single nucleotide variant.
Coding change: c.1658G>C on transcript NM_001556.3 (MANE Select); coding-DNA position 1658, G replaced by C.
Protein change: p.Gly553Ala; replaces glycine 553 with alanine.
Molecular consequence: missense variant. On other transcripts: non-coding transcript variant (3).
Genome position (GRCh38, 1-based): chr8:42,320,814, G>C. VCF-style: chr8-42320814-G-C. GRCh37 (hg19) VCF-style: chr8-42178332-G-C.
Other names: c.1466G>C, p.Gly489Ala (NM_001190720.3); c.1481G>C, p.Gly494Ala (NM_001242778.2); short protein forms G489A, G494A, G553A.
Identifiers: ClinVar variation 1011389 (VCV001011389.4), dbSNP rs1326176524, ClinGen allele CA371091298.

ClinVar aggregate classification (germline): Uncertain significance (1 of 4 stars; one submission).

Conditions:
Severe combined immunodeficiency due to IKK2 deficiency. Also called: Immunodeficiency 15; IMMUNODEFICIENCY 15B. Identifiers: Orphanet 397787, MedGen C4747743, MONDO:0014267, OMIM 615592.

Allele frequency attached by ClinVar (database versions not stated): gnomAD exomes below 0.00001.

Submission:

Labcorp Genetics (formerly Invitae), Labcorp
Classification: Uncertain significance for Severe combined immunodeficiency due to IKK2 deficiency. Last evaluated: 2024-11-16. Review status: criteria provided, single submitter. Criteria: Invitae Variant Classification Sherloc (09022015). Collection method: clinical testing. Allele origin: germline.
Comment: This sequence change replaces glycine, which is neutral and non-polar, with alanine, which is neutral and non-polar, at codon 553 of the IKBKB protein (p.Gly553Ala). This variant is present in population databases (no rsID available, gnomAD 0.0009%). This variant has not been reported in the literature in individuals affected with IKBKB-related conditions. ClinVar contains an entry for this variant (Variation ID: 1011389). Invitae Evidence Modeling of protein sequence and biophysical properties (such as structural, functional, and spatial information, amino acid conservation, physicochemical variation, residue mobility, and thermodynamic stability) indicates that this missense variant is not expected to disrupt IKBKB protein function with a negative predictive value of 95%. In summary, the available evidence is currently insufficient to determine the role of this variant in disease. Therefore, it has been classified as a Variant of Uncertain Significance.